The following is an entry in ClinVar:

ClinVar aggregate classification (germline): Benign/Likely benign. Review status: criteria provided, multiple submitters, no conflicts (2 of 4 stars). 3 submissions from 3 submitters: Benign (1); Likely benign (1). 1 of the submissions does not count toward it. Last evaluated 2026-09-01.

Conditions:
HIVEP2-related disorder. Also called: HIVEP2-related condition.

Allele frequency attached by ClinVar (database versions not stated): ExAC 0.00007; gnomAD exomes 0.00014; 1000 Genomes Project 0.00040; 1000 Genomes Project 30x 0.00062; TOPMed 0.00130; gnomAD 0.00147.
gnomAD v4.1: 429 of 1,614,112 alleles (0.027%); highest among the groups gnomAD compares: Admixed American, 0.63%; 6 homozygotes.

Submissions (3):

CeGaT Center for Human Genetics Tuebingen
Classification: Likely benign. Last evaluated: 2026-09-01. Review status: criteria provided, single submitter. Criteria: CeGaT Center For Human Genetics Tuebingen Variant Classification Criteria Version 2. Collection method: clinical testing. Allele origin: germline. Affected: yes. Observed: 11 variant alleles.
Comment: HIVEP2: BP4, BP7, BS1

Labcorp Genetics (formerly Invitae), Labcorp
Classification: Benign. Last evaluated: 2026-01-13. Review status: criteria provided, single submitter. Criteria: Invitae Variant Classification Sherloc (09022015). Collection method: clinical testing. Allele origin: germline.

PreventionGenetics, part of Exact Sciences
Classification: Likely benign for HIVEP2-related condition. Last evaluated: 2020-04-24. Review status: no assertion criteria provided. Collection method: clinical testing. Allele origin: germline. Not counted in ClinVar's aggregate classification.
Comment: This variant is classified as likely benign based on ACMG/AMP sequence variant interpretation guidelines (Richards et al. 2015 PMID: 25741868, with internal and published modifications).

NM_006734.4(HIVEP2):c.4728G>A (p.Ser1576=)

Gene: HIVEP2 (HIVEP zinc finger 2; minus strand). Cytogenetic location: 6q24.2.
Variant type: single nucleotide variant.
Coding change: c.4728G>A on transcript NM_006734.4 (MANE Select); coding-DNA position 4728, G replaced by A.
Protein change: p.Ser1576=; no amino-acid change (serine 1576 retained).
Molecular consequence: synonymous variant.
Genome position (GRCh38, 1-based): chr6:142,770,011, C>T on the plus strand (G>A on the coding strand, the complement: HIVEP2 is on the minus strand). VCF-style: chr6-142770011-C-T. GRCh37 (hg19) VCF-style: chr6-143091148-C-T.
Other names: c.4728G>A (NM_006734.3).
Identifiers: ClinVar variation 2046505 (VCV002046505.13), dbSNP rs185815288, ClinGen allele CA4028016.
Genomic context (GRCh38, chr6:142,770,011, plus strand): 5'-CTCTTCCAGCTGACCATCTCCTGCTGGTAATGAAGAACTCTGTGGGCTCATGCTCATGTC[C>T]GATGCCGTCTCATCGATATCTAATTCATCTGAAGATTCTTTGCTTTCAGAAGGCCCACTG-3'
Protein context (NP_006725.3, residues 1566-1586): SDELDIDETA[Ser1576=]DMSMSPQSSS